The following is an entry in ClinVar:

NC_000019.9:g.(?_18171912)_(18177527_?)del

Gene: IL12RB1 (interleukin 12 receptor subunit beta 1; minus strand). Cytogenetic location: 19p13.11.
Variant type: Deletion.
Identifiers: ClinVar variation 2425363 (VCV002425363.4).

ClinVar aggregate classification (germline): Pathogenic (1 of 4 stars; one submission).

Conditions:
Mendelian susceptibility to mycobacterial diseases due to complete IL12RB1 deficiency. Also called: IL12RB1 DEFICIENCY; Immunodeficiency 30. Identifiers: Orphanet 319552, MedGen C4013949, MONDO:0013955, OMIM 614891.

Submission:

Labcorp Genetics (formerly Invitae), Labcorp
Classification: Pathogenic for Mendelian susceptibility to mycobacterial diseases due to complete IL12RB1 deficiency. Last evaluated: 2023-11-27. Review status: criteria provided, single submitter. Criteria: Invitae Variant Classification Sherloc (09022015). Collection method: clinical testing. Allele origin: germline.
Comment: This variant is a gross deletion of the genomic region encompassing exon(s) 12-15 of the IL12RB1 gene. This deletion is out-of-frame, and is expected to create a premature termination codon and result in an absent or disrupted protein product. Loss-of-function variants in IL12RB1 are known to be pathogenic (PMID: 9603733, 12591909). This variant has not been reported in the literature in individuals affected with IL12RB1-related conditions. For these reasons, this variant has been classified as Pathogenic.

Literature cited by the submitters: PubMed 9603733; PubMed 12591909.